The following is an entry in ClinVar:

NM_020964.2(EPG5):c.[1188delC;2598A>G]

Variant type: Haplotype.
Identifiers: ClinVar variation 267448 (VCV000267448.4).

ClinVar aggregate classification (germline): Pathogenic (0 of 4 stars; one submission).

Conditions:
Vici syndrome (VICIS). Identifiers: Orphanet 1493, MedGen C1855772, MONDO:0009452, OMIM 242840.

Submission:

Department Of Pediatrics And Neonatology, Nagoya City University Graduate School Of Medical Sciences
Classification: Pathogenic for Vici syndrome. Last evaluated: 2016-08-11. Review status: no assertion criteria provided. Collection method: research. Allele origin: germline. Affected: yes. Observed: 1 variant allele.
Comment: This mutation was confirmed compound geterozygosity.

The mutation was identified with whole-exome sequencing (WES) using Agilent SureSelect V5 probes and Illumina HiSeq 2000 Sequencer. The splicing mutation was confermed by RT-PCR.

Literature cited by the submitters: PubMed 28615637; PubMed 3344762; PubMed 21965116.